The following is an entry in ClinVar:

ClinVar aggregate classification (germline): Benign (1 of 4 stars; one submission).

Conditions:
Melanoma-pancreatic cancer syndrome. Identifiers: Orphanet 404560, MedGen C1838547, MONDO:0011713, OMIM 606719. Disease mechanism: loss of function.

gnomAD v4.1: 80 of 1,591,090 alleles (0.005%); highest among the groups gnomAD compares: Non-Finnish European, 0.0063%; no homozygotes.

Submission:

Myriad Genetics, Inc.
Classification: Benign for Melanoma-pancreatic cancer syndrome. Last evaluated: 2025-08-18. Review status: criteria provided, single submitter. Criteria: Myriad Autosomal Dominant, Autosomal Recessive and X-Linked Classification Criteria (2023). Collection method: clinical testing. Allele origin: unknown.
Comment: This variant is considered benign. This variant is intronic and is not expected to impact mRNA splicing.

NM_000077.5(CDKN2A):c.458-60A>T

Gene: CDKN2A (cyclin dependent kinase inhibitor 2A; minus strand). Cytogenetic location: 9p21.3.
Variant type: single nucleotide variant.
Coding change: c.458-60A>T on transcript NM_000077.5 (MANE Select); 60 bases into the intron before coding-DNA position 458, A replaced by T.
Molecular consequence: intron variant.
Genome position (GRCh38, 1-based): chr9:21,968,302, T>A on the plus strand (A>T on the coding strand, the complement: CDKN2A is on the minus strand). VCF-style: chr9-21968302-T-A. GRCh37 (hg19) VCF-style: chr9-21968301-T-A.
Other names: c.305-60A>T (NM_001363763.2); c.*102-60A>T (NM_058195.4); c.*151-60A>T (NM_001195132.2); c.*381-60A>T (NM_058197.5).
Identifiers: ClinVar variation 4294285 (VCV004294285.1).
Genomic context (GRCh38, chr9:21,968,302, plus strand): 5'-TCTGCAGAGGGCAGAAAGAAAACAGGCGTTAGAAACCTGAGGTCAAAGATGTGTGGCACA[T>A]CCCGCCCTCCTCTCTTGCCGTCCCTACCGGCATTGAAATACTTATGGATAAAGTTCTCGC-3'